The following is an entry in ClinVar:

NM_032217.5(ANKRD17):c.7731G>A (p.Thr2577=)

Gene: ANKRD17 (ankyrin repeat domain 17; minus strand). Cytogenetic location: 4q13.3.
Variant type: single nucleotide variant.
Coding change: c.7731G>A on transcript NM_032217.5 (MANE Select); coding-DNA position 7731, G replaced by A.
Protein change: p.Thr2577=; no amino-acid change (threonine 2577 retained).
Molecular consequence: synonymous variant.
Genome position (GRCh38, 1-based): chr4:73,076,961, C>T on the plus strand (G>A on the coding strand, the complement: ANKRD17 is on the minus strand). VCF-style: chr4-73076961-C-T. GRCh37 (hg19) VCF-style: chr4-73942678-C-T.
Other names: NC_000004.11:g.73942678C>T; c.7389G>A (XM_017008011.1); c.7392G>A, p.Thr2464= (NM_001286771.3); c.7728G>A, p.Thr2576= (NM_015574.2); c.6978G>A, p.Thr2326= (NM_198889.3).
Identifiers: ClinVar variation 430719 (VCV000430719.4), dbSNP rs2306058, ClinGen allele CA2957739.

ClinVar aggregate classification (germline): association (1 of 4 stars; one submission).

Conditions:
Lip and oral cavity carcinoma. Identifiers: MedGen C0220641, MONDO:0023644.

Allele frequency attached by ClinVar (database versions not stated): gnomAD 0.12670 and 0.13302; ExAC 0.17092; ESP Exome Variant Server 0.12194; TOPMed 0.13872; gnomAD exomes 0.16578 and 0.17477; 1000 Genomes Project 30x 0.17036; 1000 Genomes Project 0.17652.
gnomAD v4.1: 262,731 of 1,610,202 alleles (16%); highest among the groups gnomAD compares: East Asian, 29%; 23,467 homozygotes.

Submissions (2):

Department of Biological Science, Sunandan Divatia School of Science, NMIMS University
Classification: association for Lip and oral cavity carcinoma. Review status: criteria provided, single submitter. Criteria: Submitter's publication. Collection method: case-control. Allele origin: germline, not applicable. Inheritance: Oligogenic inheritance. Affected: yes. Observed: 172 heterozygotes. Clinical features observed: Neoplasm of the oral cavity.
Comment: A significant association of rs2306058 (ANKRD17) CT (odds ratio [OR] 0.72; 95% confidence interval [CI] 0.56-0.93) indicated decreased risk to oral cancer.

Dr. Peter K. Rogan Lab, Western University
No classification provided (evidence only). Condition: Malignant lymphoma, large B-cell, diffuse. Review status: no classification provided. Collection method: in vitro. Allele origin: not applicable. Functional consequence: retained intron. Not counted in ClinVar's aggregate classification.